The following is an entry in ClinVar:

NM_001105206.3(LAMA4):c.3696+1G>A

Gene: LAMA4 (laminin subunit alpha 4; minus strand). Cytogenetic location: 6q21.
Variant type: single nucleotide variant.
Coding change: c.3696+1G>A on transcript NM_001105206.3 (MANE Select); the canonical splice donor site of the intron after coding-DNA position 3696, G replaced by A.
Molecular consequence: splice donor variant.
Genome position (GRCh38, 1-based): chr6:112,133,348, C>T on the plus strand (G>A on the coding strand, the complement: LAMA4 is on the minus strand). VCF-style: chr6-112133348-C-T. GRCh37 (hg19) VCF-style: chr6-112454550-C-T.
Other names: c.3675+1G>A (NM_002290.5, NM_001105207.3).
Identifiers: ClinVar variation 1038020 (VCV001038020.7), dbSNP rs930076073, ClinGen allele CA144888399.

ClinVar aggregate classification (germline): Uncertain significance (1 of 4 stars; one submission).

Conditions:
Dilated cardiomyopathy 1JJ (CMD1JJ). Identifiers: Orphanet 154, MedGen C3808935, MONDO:0014095, OMIM 615235.

Allele frequency attached by ClinVar (database versions not stated): TOPMed 0.00001.
gnomAD v4.1: 4 of 1,613,690 alleles (0.00025%); highest among the groups gnomAD compares: South Asian, 0.0044%; no homozygotes.

Submission:

Labcorp Genetics (formerly Invitae), Labcorp
Classification: Uncertain significance for Dilated cardiomyopathy 1JJ. Last evaluated: 2024-10-18. Review status: criteria provided, single submitter. Criteria: Invitae Variant Classification Sherloc (09022015). Collection method: clinical testing. Allele origin: germline.
Comment: This sequence change affects a donor splice site in intron 27 of the LAMA4 gene. It is expected to disrupt RNA splicing. Variants that disrupt the donor or acceptor splice site typically lead to a loss of protein function (PMID: 16199547), however the current clinical and genetic evidence is not sufficient to establish whether loss-of-function variants in LAMA4 cause disease. This variant is not present in population databases (gnomAD no frequency). This variant has not been reported in the literature in individuals affected with LAMA4-related conditions. ClinVar contains an entry for this variant (Variation ID: 1038020). Algorithms developed to predict the effect of sequence changes on RNA splicing suggest that this variant may disrupt the consensus splice site. In summary, the available evidence is currently insufficient to determine the role of this variant in disease. Therefore, it has been classified as a Variant of Uncertain Significance.

Literature cited by the submitters: PubMed 16199547.